The following is an entry in ClinVar:

ClinVar aggregate classification (germline): Uncertain significance (1 of 4 stars; one submission).

Submission:

Ambry Genetics
Classification: Uncertain significance. Last evaluated: 2022-08-29. Review status: criteria provided, single submitter. Criteria: Ambry Variant Classification Scheme 2023. Collection method: clinical testing. Allele origin: germline.
Comment: The p.P598H variant (also known as c.1793C>A), located in coding exon 17 of the PRKDC gene, results from a C to A substitution at nucleotide position 1793. The proline at codon 598 is replaced by histidine, an amino acid with similar properties. This amino acid position is conserved. In addition, this alteration is predicted to be tolerated by in silico analysis. Since supporting evidence is limited at this time, the clinical significance of this alteration remains unclear.

NM_006904.7(PRKDC):c.1793C>A (p.Pro598His)

Gene: PRKDC (protein kinase, DNA-activated, catalytic subunit; minus strand). Cytogenetic location: 8q11.21.
Variant type: single nucleotide variant.
Coding change: c.1793C>A on transcript NM_006904.7 (MANE Select); coding-DNA position 1793, C replaced by A.
Protein change: p.Pro598His; replaces proline 598 with histidine.
Molecular consequence: missense variant.
Genome position (GRCh38, 1-based): chr8:47,930,771, G>T on the plus strand (C>A on the coding strand, the complement: PRKDC is on the minus strand). VCF-style: chr8-47930771-G-T. GRCh37 (hg19) VCF-style: chr8-48843331-G-T.
Other names: c.1793C>A, p.Pro598His (NM_001081640.2); short protein forms P598H.
Identifiers: ClinVar variation 1780218 (VCV001780218.2), dbSNP rs1212391038, ClinGen allele CA371164834.